The following is an entry in ClinVar:

NM_016222.4(DDX41):c.502C>T (p.His168Tyr)

Gene: DDX41 (DEAD-box helicase 41; minus strand). Cytogenetic location: 5q35.3.
Variant type: single nucleotide variant.
Coding change: c.502C>T on transcript NM_016222.4 (MANE Select); coding-DNA position 502, C replaced by T.
Protein change: p.His168Tyr; replaces histidine 168 with tyrosine.
Molecular consequence: missense variant.
Genome position (GRCh38, 1-based): chr5:177,515,754, G>A on the plus strand (C>T on the coding strand, the complement: DDX41 is on the minus strand). VCF-style: chr5-177515754-G-A. GRCh37 (hg19) VCF-style: chr5-176942755-G-A.
Other names: c.124C>T, p.His42Tyr (NM_001321732.2, NM_001321830.2); short protein forms H42Y, H168Y.
Identifiers: ClinVar variation 4617118 (VCV004617118.2).
Genomic context (GRCh38, chr5:177,515,754, plus strand): 5'-ACTTCATTTCCTTGAAGCTCTTGATGGGTGGTGGGATACCGTCTCCCTCCACCAGGATGT[G>A]GTATTTCTTCCGCACGCGCTCATGTCGCTCTTCAGACATGCTCAGAACATAACGGGGTGG-3'
Protein context (NP_057306.2, residues 158-178): ERHERVRKKY[His168Tyr]ILVEGDGIPP

ClinVar aggregate classification (germline): Uncertain significance. Review status: criteria provided, multiple submitters, no conflicts (2 of 4 stars). 2 submissions from 2 submitters: Uncertain significance (2). Last evaluated 2025-09-15.

Conditions:
Inborn genetic diseases. Identifiers: MedGen C0950123, MeSH D030342.

gnomAD v4.1: 3 of 1,614,138 alleles (0.00019%); highest among the groups gnomAD compares: Non-Finnish European, 0.00017%; no homozygotes.

Submissions (2):

Ambry Genetics
Classification: Uncertain significance for Inborn genetic diseases. Last evaluated: 2025-09-15. Review status: criteria provided, single submitter. Criteria: Ambry Variant Classification Scheme 2023. Collection method: clinical testing. Allele origin: germline.
Comment: The p.H168Y variant (also known as c.502C>T), located in coding exon 6 of the DDX41 gene, results from a C to T substitution at nucleotide position 502. The histidine at codon 168 is replaced by tyrosine, an amino acid with similar properties. This amino acid position is highly conserved in available vertebrate species. In addition, this alteration is predicted to be tolerated by in silico analysis. Based on the available evidence, the clinical significance of this variant remains unclear.

Labcorp Genetics (formerly Invitae), Labcorp
Classification: Uncertain significance. Last evaluated: 2025-02-27. Review status: criteria provided, single submitter. Criteria: Invitae Variant Classification Sherloc (09022015). Collection method: clinical testing. Allele origin: germline.
Comment: This sequence change replaces histidine, which is basic and polar, with tyrosine, which is neutral and polar, at codon 168 of the DDX41 protein (p.His168Tyr). This variant is present in population databases (no rsID available, gnomAD 0.0009%). This missense change has been observed in individual(s) with cytopenia (PMID: 37199125). An algorithm developed to predict the effect of missense changes on protein structure and function (PolyPhen-2) suggests that this variant is likely to be tolerated. In summary, the available evidence is currently insufficient to determine the role of this variant in disease. Therefore, it has been classified as a Variant of Uncertain Significance.

Literature cited by the submitters: PubMed 37199125 (cited by Labcorp Genetics (formerly Invitae), Labcorp).